The following is an entry in ClinVar:

NM_005591.4(MRE11):c.1097G>A (p.Arg366Gln)

Gene: MRE11 (MRE11 double strand break repair nuclease; minus strand). Cytogenetic location: 11q21.
Variant type: single nucleotide variant.
Coding change: c.1097G>A on transcript NM_005591.4 (MANE Select); coding-DNA position 1097, G replaced by A.
Protein change: p.Arg366Gln; replaces arginine 366 with glutamine.
Molecular consequence: missense variant.
Genome position (GRCh38, 1-based): chr11:94,467,814, C>T on the plus strand (G>A on the coding strand, the complement: MRE11 is on the minus strand). VCF-style: chr11-94467814-C-T. GRCh37 (hg19) VCF-style: chr11-94200980-C-T.
Other names: c.1097G>A, p.Arg366Gln (NM_001330347.2, NM_005590.4); short protein forms R366Q.
Identifiers: ClinVar variation 183980 (VCV000183980.15), dbSNP rs773968042, ClinGen allele CA187379.
Genomic context (GRCh38, chr11:94,467,814, plus strand): 5'-ACTGTACATTACTATGCTTTGAAAATTAATAATATTCAATCTATATAAATAGGACTTACT[C>T]GCAGTCGTACAAGAGGCTTCTCTGGCTGGTGAGAATTACCCAGACGTTCCCGTTCAGCAT-3'
Protein context (NP_005582.1, residues 356-376): HQPEKPLVRL[Arg366Gln]VDYSGGFEPF

ClinVar aggregate classification (germline): Uncertain significance. Review status: criteria provided, multiple submitters, no conflicts (2 of 4 stars). 4 submissions from 4 submitters: Uncertain significance (4). Last evaluated 2025-10-29.

Conditions:
Ataxia-telangiectasia-like disorder (ATLD). Identifiers: MedGen C1858391, MONDO:0011457.
Hereditary cancer-predisposing syndrome. Also called: Tumor predisposition; Neoplastic Syndromes, Hereditary; Hereditary neoplastic syndrome; Hereditary Cancer Syndrome. Identifiers: Orphanet 140162, MedGen C0027672, MeSH D009386, MONDO:0015356.
Ataxia-telangiectasia-like disorder 1 (ATLD1). Identifiers: Orphanet 251347, MedGen C4012790, MONDO:0024557, OMIM 604391.

Allele frequency attached by ClinVar (database versions not stated): gnomAD 0.00001; gnomAD exomes 0.00001 and 0.00002; TOPMed 0.00001; ExAC 0.00002.
gnomAD v4.1: 18 of 1,608,494 alleles (0.0011%); highest among the groups gnomAD compares: Non-Finnish European, 0.00094%; no homozygotes.

Submissions (4):

Labcorp Genetics (formerly Invitae), Labcorp
Classification: Uncertain significance for Ataxia-telangiectasia-like disorder. Last evaluated: 2025-10-29. Review status: criteria provided, single submitter. Criteria: Invitae Variant Classification Sherloc (09022015). Collection method: clinical testing. Allele origin: germline.
Comment: This sequence change replaces arginine, which is basic and polar, with glutamine, which is neutral and polar, at codon 366 of the MRE11 protein (p.Arg366Gln). This variant is present in population databases (rs773968042, gnomAD 0.004%). This variant has not been reported in the literature in individuals affected with MRE11-related conditions. ClinVar contains an entry for this variant (Variation ID: 183980). An algorithm developed to predict the effect of missense changes on protein structure and function (PolyPhen-2) suggests that this variant is likely to be disruptive. In summary, the available evidence is currently insufficient to determine the role of this variant in disease. Therefore, it has been classified as a Variant of Uncertain Significance.

Blueprint Genetics
Classification: Uncertain significance. Last evaluated: 2023-11-08. Review status: criteria provided, single submitter. Criteria: ACMG Guidelines, 2015. Collection method: clinical testing. Allele origin: germline.

Ambry Genetics
Classification: Uncertain significance for Hereditary cancer-predisposing syndrome. Last evaluated: 2022-08-12. Review status: criteria provided, single submitter. Criteria: Ambry Variant Classification Scheme 2023. Collection method: clinical testing. Allele origin: germline.
Comment: The p.R366Q variant (also known as c.1097G>A), located in coding exon 9 of the MRE11A gene, results from a G to A substitution at nucleotide position 1097. The arginine at codon 366 is replaced by glutamine, an amino acid with highly similar properties. This amino acid position is highly conserved in available vertebrate species. In addition, this alteration is predicted to be deleterious by in silico analysis. Since supporting evidence is limited at this time, the clinical significance of this alteration remains unclear.

Illumina Laboratory Services, Illumina
Classification: Uncertain significance for Ataxia-telangiectasia-like disorder 1. Last evaluated: 2017-04-27. Review status: criteria provided, single submitter. Criteria: ICSL Variant Classification Criteria 13 December 2019. Collection method: clinical testing. Allele origin: germline.